The following is an entry in ClinVar:

NM_001001344.3(ATP2B3):c.3594G>T (p.Lys1198Asn)

Gene: ATP2B3 (ATPase plasma membrane Ca2+ transporting 3; plus strand). Cytogenetic location: Xq28.
Variant type: single nucleotide variant.
Coding change: c.3594G>T on transcript NM_001001344.3 (MANE Select); coding-DNA position 3594, G replaced by T.
Protein change: p.Lys1198Asn; replaces lysine 1198 with asparagine.
Molecular consequence: missense variant. On other transcripts: 3 prime UTR variant (2).
Genome position (GRCh38, 1-based): chrX:153,580,229, G>T. VCF-style: chrX-153580229-G-T. GRCh37 (hg19) VCF-style: chrX-152845687-G-T.
Other names: c.*226G>T (NM_001388360.1, NM_021949.4); c.3594G>T, p.Lys1198Asn (NM_001388361.1); short protein forms K1198N.
Identifiers: ClinVar variation 242886 (VCV000242886.2), dbSNP rs782596945, ClinGen allele CA337220274.

ClinVar aggregate classification (germline): Likely pathogenic. Review status: criteria provided, single submitter (1 of 4 stars). 2 submissions from 2 submitters: Likely pathogenic (1). 1 of the submissions does not count toward it. Last evaluated 2019-11-25.

Conditions:
Hypotonia. Also called: Muscular hypotonia; poor muscle tone. Identifiers: MedGen C0026827, HP:0001252.
Oral-pharyngeal dysphagia. Also called: Oropharyngeal dysphagia. Identifiers: MedGen C0267071, HP:0200136.
Abnormal cerebral cortex morphology. Also called: Abnormality of the cerebral cortex. Identifiers: MedGen C4025701, HP:0002538.
Carious teeth. Also called: Dental caries. Identifiers: MedGen C0011334, MONDO:0005276, HP:0000670.
Microcephaly. Also called: Microcephaly (disease). Identifiers: MedGen C4551563, MONDO:0001149, HP:0000252.
Global developmental delay (DD). Also called: Cognitive delay. Identifiers: MedGen C0557874, HP:0001263. Disease mechanism: loss of function.
Intellectual disability. Also called: Intellectual functioning disability; Intellectual developmental disorder; intellectual disabilities. Identifiers: MedGen C3714756, MeSH D008607, MONDO:0001071, HP:0001249.
Muscular atrophy. Also called: Skeletal muscle atrophy; Muscle atrophy. Identifiers: MedGen C0541794, MONDO:0004323, HP:0003202.
X-linked progressive cerebellar ataxia. Also called: OPCA, X-LINKED; OLIVOPONTOCEREBELLAR ATROPHY, X-LINKED; Spinocerebellar ataxia, X-linked 1. Identifiers: Orphanet 1175, MedGen C0796205, MONDO:0010547, OMIM 302500.

gnomAD v4.1: 1 of 1,186,793 alleles (0.000084%); highest among the groups gnomAD compares: African/African-American, 0.0019%; no homozygotes.

Submissions (2):

Baylor Genetics
Classification: Likely pathogenic for X-linked progressive cerebellar ataxia. Last evaluated: 2019-11-25. Review status: criteria provided, single submitter. Criteria: ACMG Guidelines, 2015. Collection method: clinical testing. Allele origin: unknown. Affected: yes.
Comment: This variant was determined to be likely pathogenic according to ACMG Guidelines, 2015 [PMID:25741868].

Lupski Lab, Baylor-Hopkins CMG, Baylor College of Medicine
Classification: Pathogenic for Global developmental delay; Intellectual disability; Microcephaly; Abnormal cerebral cortex morphology; Hypotonia; Muscular atrophy; Carious teeth; Oral-pharyngeal dysphagia. Last evaluated: 2016-01-10. Review status: no assertion criteria provided. Collection method: research. Allele origin: inherited. Inheritance: X-linked inheritance. Affected: yes. Observed: 1 variant allele, 1 heterozygote. Study: The combination of WES, CNV-derived from WES, paralog studies, and GeneMatcher provide potential molecular diagnosis in a cohort from Saudi Arabia. Not counted in ClinVar's aggregate classification.